The following is an entry in ClinVar:

NM_004415.4(DSP):c.4751_4752del (p.Ala1584fs)

Gene: DSP (desmoplakin; plus strand). Cytogenetic location: 6p24.3.
Variant type: Microsatellite.
Coding change: c.4751_4752del on transcript NM_004415.4 (MANE Select); coding-DNA positions 4751 to 4752, 2 bases deleted (CG; older notation c.4751_4752delCG).
Protein change: p.Ala1584fs; shifts the reading frame from alanine 1584.
Molecular consequence: frameshift variant. On other transcripts: intron variant (2).
Genome position (GRCh38, 1-based): chr6:7,580,941-7,580,942, CG deleted; deleting any 2 consecutive bases within chr6:7,580,939-7,580,942 gives the same sequence; the c. name uses the placement nearest the transcript's 3' end. VCF-style (leftmost placement, unchanged base first): chr6-7580938-CCG-C. GRCh37 (hg19) VCF-style: chr6-7581171-CCG-C.
Other names: c.4050+701_4050+702del (NM_001319034.2); c.3582+1169_3582+1170del (NM_001008844.3); c.4751_4752delCG (NM_004415.3); short protein forms A1584fs.
Identifiers: ClinVar variation 1389417 (VCV001389417.7), dbSNP rs2113694794, ClinGen allele CA2580614825.
Genomic context (GRCh38, chr6:7,580,938, plus strand): 5'-TGAAAGAGCTGCAGCTGCAGAAGCAGAAGGTGGAAGAGGAGCTGAATCGGCTGAAGAGGA[CCG>C]CGTCAGAAGACTCCTGCAAGAGGAAGAAGCTGGAGGAAGAGCTGGAAGGCATGAGGAGGT-3'

ClinVar aggregate classification (germline): Pathogenic/Likely pathogenic. Review status: criteria provided, multiple submitters, no conflicts (2 of 4 stars). 2 submissions from 2 submitters: Pathogenic (1); Likely pathogenic (1). Last evaluated 2025-03-27.

Conditions:
DSP-related disorder. Also called: DSP-related condition; DSP-related disorders.
Arrhythmogenic cardiomyopathy with wooly hair and keratoderma. Also called: Dilated cardiomyopathy with woolly hair and keratoderma; Carvajal syndrome; PALMOPLANTAR KERATODERMA WITH LEFT VENTRICULAR CARDIOMYOPATHY AND WOOLLY HAIR; Arrhythmogenic cardiomyopathy with woolly hair and keratoderma. Identifiers: Orphanet 65282, MedGen C1854063, MONDO:0011581, OMIM 605676.
Arrhythmogenic right ventricular dysplasia 8 (ARVD8). Also called: ARRHYTHMOGENIC RIGHT VENTRICULAR CARDIOMYOPATHY 8; ARRHYTHMOGENIC RIGHT VENTRICULAR DYSPLASIA, FAMILIAL, 8; Arrhythmogenic Right Ventricular Dysplasia/Cardiomyopathy 8. Identifiers: MedGen C1843896, MONDO:0011831, OMIM 607450.

Submissions (2):

PreventionGenetics, part of Exact Sciences
Classification: Likely pathogenic for DSP-related condition. Last evaluated: 2025-03-27. Review status: criteria provided, single submitter. Criteria: ACMG Guidelines, 2015. Collection method: clinical testing. Allele origin: germline.
Comment: The DSP c.4751_4752delCG variant is predicted to result in a frameshift and premature protein termination (p.Ala1584Valfs*42). To our knowledge, this variant has not been reported in the literature or in a large population database (gnomAD), indicating this variant is rare. Frameshift variants in DSP are expected to be pathogenic. This variant is interpreted as likely pathogenic.

Labcorp Genetics (formerly Invitae), Labcorp
Classification: Pathogenic for Arrhythmogenic cardiomyopathy with wooly hair and keratoderma; Arrhythmogenic right ventricular dysplasia 8. Last evaluated: 2023-07-14. Review status: criteria provided, single submitter. Criteria: Invitae Variant Classification Sherloc (09022015). Collection method: clinical testing. Allele origin: germline.
Comment: For these reasons, this variant has been classified as Pathogenic. This variant has not been reported in the literature in individuals affected with DSP-related conditions. This variant is not present in population databases (gnomAD no frequency). This sequence change creates a premature translational stop signal (p.Ala1584Valfs*42) in the DSP gene. It is expected to result in an absent or disrupted protein product. Loss-of-function variants in DSP are known to be pathogenic (PMID: 20716751, 24503780, 25227139).

Literature cited by the submitters: PubMed 20716751 (cited by Labcorp Genetics (formerly Invitae), Labcorp); PubMed 24503780 (cited by Labcorp Genetics (formerly Invitae), Labcorp); PubMed 25227139 (cited by Labcorp Genetics (formerly Invitae), Labcorp).